The following is an entry in ClinVar:

NM_001267550.2(TTN):c.23225T>C (p.Val7742Ala)

Gene: TTN (titin; minus strand). Cytogenetic location: 2q31.2.
Variant type: single nucleotide variant.
Coding change: c.23225T>C on transcript NM_001267550.2 (MANE Select); coding-DNA position 23225, T replaced by C.
Protein change: p.Val7742Ala; replaces valine 7742 with alanine.
Molecular consequence: missense variant. On other transcripts: intron variant (3).
Genome position (GRCh38, 1-based): chr2:178,720,537, A>G on the plus strand (T>C on the coding strand, the complement: TTN is on the minus strand). VCF-style: chr2-178720537-A-G. GRCh37 (hg19) VCF-style: chr2-179585264-A-G.
Other names: c.22274T>C, p.Val7425Ala (NM_001256850.1); c.19493T>C, p.Val6498Ala (NM_133378.4); c.13282+17545T>C (NM_003319.4); c.13858+17545T>C (NM_133437.4); c.13657+17545T>C (NM_133432.3); c.23225T>C (NM_001267550.1); short protein forms V6498A, V7742A, V7425A.
Identifiers: ClinVar variation 499605 (VCV000499605.6), dbSNP rs1553907288, ClinGen allele CA349514592.

ClinVar aggregate classification (germline): Uncertain significance. Review status: criteria provided, multiple submitters, no conflicts (2 of 4 stars). 2 submissions from 2 submitters: Uncertain significance (2). Last evaluated 2024-05-03.

Allele frequency attached by ClinVar (database versions not stated): gnomAD exomes below 0.00001.
gnomAD v4.1: 3 of 1,613,564 alleles (0.00019%); highest among the groups gnomAD compares: Non-Finnish European, 0.00025%; no homozygotes.

Submissions (2):

Athena Diagnostics
Classification: Uncertain significance. Last evaluated: 2024-05-03. Review status: criteria provided, single submitter. Criteria: Athena Diagnostics Criteria. Collection method: clinical testing. Allele origin: unknown.
Comment: Available data are insufficient to determine the clinical significance of the variant at this time. This variant has not been reported in large, multi-ethnic general populations. Polyphen and MutationTaster predict this amino acid change may be benign.

Eurofins Ntd Llc (ga)
Classification: Uncertain significance. Last evaluated: 2017-01-11. Review status: criteria provided, single submitter. Criteria: EGL Classification Definitions 2015. Collection method: clinical testing. Allele origin: germline. Observed: 1 variant allele, 1 heterozygote.